The following is an entry in ClinVar:

ClinVar aggregate classification (germline): Conflicting classifications of pathogenicity. Review status: criteria provided, conflicting classifications (1 of 4 stars). 8 submissions from 8 submitters: Pathogenic (3); Likely pathogenic (4); Uncertain significance (1). Last evaluated 2026-07-01.

Conditions:
Skeletal muscle channelopathy.
CLCN1-related disorder. Also called: CLCN1-related condition.
Congenital myotonia, autosomal dominant form (THD). Also called: Myotonia congenita autosomal dominant; THOMSEN DISEASE. Identifiers: Orphanet 614, MedGen C2936781, MONDO:0008055, OMIM 160800.
Congenital myotonia, autosomal recessive form. Also called: BECKER DISEASE; Becker Generalized Myotonia; myotonia congenita, autosomal recessive. Identifiers: Orphanet 614, MedGen C0751360, MONDO:0009715, OMIM 255700.

Allele frequency attached by ClinVar (database versions not stated): TOPMed 0.00002; gnomAD 0.00006; ExAC 0.00001.
gnomAD v4.1: 32 of 1,613,744 alleles (0.002%); highest among the groups gnomAD compares: East Asian, 0.0022%; no homozygotes.

Submissions (8):

CeGaT Center for Human Genetics Tuebingen
Classification: Pathogenic. Last evaluated: 2026-07-01. Review status: criteria provided, single submitter. Criteria: CeGaT Center For Human Genetics Tuebingen Variant Classification Criteria Version 2. Collection method: clinical testing. Allele origin: germline. Affected: yes. Observed: 1 variant allele.
Comment: CLCN1: PM3:Strong, PM1, PM2, PM5

Genetics Laboratory, Great Ormond Street Hospital NHS Foundation Trust, North Thames Genomic Laboratory Hub
Classification: Pathogenic for Skeletal muscle channelopathy. Last evaluated: 2026-06-05. Review status: criteria provided, single submitter. Criteria: ACGS Best Practice Guidelines for Variant Classification in Rare Disease 2024 v1.2. Collection method: clinical testing. Allele origin: germline. Affected: yes.
Comment: PM2_moderate, PM5_supporting, PS3_strong, PM1_supporting, PM3_strong

Labcorp Genetics (formerly Invitae), Labcorp
Classification: Pathogenic for Congenital myotonia, autosomal recessive form; Congenital myotonia, autosomal dominant form. Last evaluated: 2026-01-19. Review status: criteria provided, single submitter. Criteria: Invitae Variant Classification Sherloc (09022015). Collection method: clinical testing. Allele origin: germline.
Comment: This sequence change replaces valine, which is neutral and non-polar, with isoleucine, which is neutral and non-polar, at codon 536 of the CLCN1 protein (p.Val536Ile). This variant is present in population databases (rs777685454, gnomAD 0.02%). This missense change has been observed in individual(s) with autosomal recessive myotonia congenita and late onset myotonia (PMID: 23152584, 29405036; internal data). In at least one individual the data is consistent with being in trans (on the opposite chromosome) from a pathogenic variant. ClinVar contains an entry for this variant (Variation ID: 447054). Invitae Evidence Modeling of protein sequence and biophysical properties (such as structural, functional, and spatial information, amino acid conservation, physicochemical variation, residue mobility, and thermodynamic stability) indicates that this missense variant is expected to disrupt CLCN1 protein function with a positive predictive value of 95%. This variant disrupts the p.Val536 amino acid residue in CLCN1. Other variant(s) that disrupt this residue have been observed in individuals with CLCN1-related conditions (PMID: 24304580), which suggests that this may be a clinically significant amino acid residue. For these reasons, this variant has been classified as Pathogenic.

GeneDx
Classification: Uncertain significance. Last evaluated: 2025-03-25. Review status: criteria provided, single submitter. Criteria: GeneDx Variant Classification Process June 2021. Collection method: clinical testing. Allele origin: germline. Affected: yes.
Comment: Reported in a heterozygous state in an individual with a personal and family history of myotonia congenita (PMID: 28325641); Reported in patients with myotonia who also harbored as second CLCN1 variant, phase unknown (PMID: 23152584, 34529042); In silico analysis indicates that this missense variant does not alter protein structure/function; Not observed at significant frequency in large population cohorts (gnomAD); This variant is associated with the following publications: (PMID: 23152584, 31589614, 29405036, 34529042, 24304580, 28325641)

Fulgent Genetics
Classification: Likely pathogenic for Congenital myotonia, autosomal dominant form; Congenital myotonia, autosomal recessive form. Last evaluated: 2024-06-11. Review status: criteria provided, single submitter. Criteria: ACMG Guidelines, 2015. Collection method: clinical testing. Allele origin: germline.

Blueprint Genetics
Classification: Likely pathogenic for CLCN1-related disorders. Last evaluated: 2024-04-09. Review status: criteria provided, single submitter. Criteria: ACMG Guidelines, 2015. Collection method: clinical testing. Allele origin: germline. Affected: yes. Observed: 5 variant alleles.

Athena Diagnostics
Classification: Likely pathogenic. Last evaluated: 2016-12-07. Review status: criteria provided, single submitter. Criteria: Athena Diagnostics Criteria. Collection method: clinical testing. Allele origin: germline.

Neuberg Centre For Genomic Medicine, NCGM
Classification: Likely pathogenic for Congenital myotonia, autosomal recessive form. Review status: criteria provided, single submitter. Criteria: ACMG Guidelines, 2015. Collection method: clinical testing. Allele origin: germline. Inheritance: Autosomal recessive inheritance. Affected: yes.
Comment: The CLCN1 c.1606G>A (p.Val536Ile) variant has been observed in individuals with autosomal recessive myotonia congenita and late onset myotonia (Raheem O et al, Ferese R et al). This p.Val536Ile variant has allele frequency of 0.002829% in the gnomAD and novel (not in any individuals) in 1000 genome database. It has been submitted to ClinVar with varying interpretations: Pathogenic/ Likely Pathogenic. The amino acid Val at position 536 is changed to a Ile changing protein sequence and it might alter its composition and physico-chemical properties. The amino acid change p.Val536Ile in CLCN1 is predicted as conserved by GERP++ and PhyloP across 100 vertebrates. For these reasons, this variant has been classified as Likely Pathogenic.

Literature cited by the submitters: PubMed 23152584 (cited by Labcorp Genetics (formerly Invitae), Labcorp and Athena Diagnostics); PubMed 29405036 (cited by Labcorp Genetics (formerly Invitae), Labcorp); PubMed 24304580 (cited by Labcorp Genetics (formerly Invitae), Labcorp).

NM_000083.3(CLCN1):c.1606G>A (p.Val536Ile)

Gene: CLCN1 (chloride voltage-gated channel 1; plus strand). Cytogenetic location: 7q34.
Variant type: single nucleotide variant.
Coding change: c.1606G>A on transcript NM_000083.3 (MANE Select); coding-DNA position 1606, G replaced by A.
Protein change: p.Val536Ile; replaces valine 536 with isoleucine.
Molecular consequence: missense variant. On other transcripts: non-coding transcript variant (1).
Genome position (GRCh38, 1-based): chr7:143,341,952, G>A. VCF-style: chr7-143341952-G-A. GRCh37 (hg19) VCF-style: chr7-143039045-G-A.
Other names: short protein forms V536I.
Identifiers: ClinVar variation 447054 (VCV000447054.16), dbSNP rs777685454, ClinGen allele CA4537439.